The following is an entry in ClinVar:

NM_000123.4(ERCC5):c.1669G>A (p.Asp557Asn)

Genes: BIVM-ERCC5 (BIVM-ERCC5 readthrough; plus strand), ERCC5 (ERCC excision repair 5, endonuclease; plus strand). Cytogenetic location: 13q33.1.
Variant type: single nucleotide variant.
Coding change: c.1669G>A on transcript NM_000123.4 (MANE Select); coding-DNA position 1669, G replaced by A.
Protein change: p.Asp557Asn; replaces aspartic acid 557 with asparagine.
Molecular consequence: missense variant.
Genome position (GRCh38, 1-based): chr13:102,862,818, G>A. VCF-style: chr13-102862818-G-A. GRCh37 (hg19) VCF-style: chr13-103515168-G-A.
Other names: c.3031G>A, p.Asp1011Asn (NM_001204425.2); short protein forms D1011N, D557N.
Identifiers: ClinVar variation 1805670 (VCV001805670.5), dbSNP rs144645075, ClinGen allele CA7041452.

ClinVar aggregate classification (germline): Uncertain significance. Review status: criteria provided, multiple submitters, no conflicts (2 of 4 stars). 3 submissions from 3 submitters: Uncertain significance (2). 1 of the submissions does not count toward it. Last evaluated 2025-11-26.

Conditions:
ERCC5-related disorder. Also called: ERCC5-related condition.
Cerebrooculofacioskeletal syndrome 3 (COFS3). Identifiers: MedGen C1851443, MONDO:0014696, OMIM 616570.

Allele frequency attached by ClinVar (database versions not stated): gnomAD 0.00003; ExAC 0.00005; ESP Exome Variant Server 0.00008; TOPMed 0.00008; 1000 Genomes Project 30x 0.00016; 1000 Genomes Project 0.00020.
gnomAD v4.1: 26 of 1,614,198 alleles (0.0016%); highest among the groups gnomAD compares: East Asian, 0.027%; no homozygotes.

Submissions (3):

Ambry Genetics
Classification: Uncertain significance. Last evaluated: 2025-11-26. Review status: criteria provided, single submitter. Criteria: Ambry Variant Classification Scheme 2023. Collection method: clinical testing. Allele origin: germline.

Victorian Clinical Genetics Services, Murdoch Childrens Research Institute
Classification: Uncertain significance for Cerebrooculofacioskeletal syndrome 3. Last evaluated: 2022-02-02. Review status: criteria provided, single submitter. Criteria: ACMG Guidelines, 2015. Collection method: clinical testing. Allele origin: germline. Inheritance: Autosomal recessive inheritance.
Comment: Based on the classification scheme VCGS_Germline_v1.3.4, this variant is classified as VUS-3C. Following criteria are met: 0102 - Loss of function is a known mechanism of disease in this gene and is associated with cerebrooculofacioskeletal syndrome 3 (MIM#616570) and group G xeroderma pigmentosum/Cockayne syndrome (MIM#278780). (I) 0106 - This gene is associated with autosomal recessive disease. (I) 0200 - Variant is predicted to result in a missense amino acid change from aspartic acid to asparagine. (I) 0251 - This variant is heterozygous. (I) 0304 - Variant is present in gnomAD (v2) <0.01 for a recessive condition (9 heterozygotes, 0 homozygotes). (SP) 0309 - An alternative amino acid change at the same position has been observed in gnomAD (v2) (1 heterozygote, 0 homozygotes). (I) 0503 - Missense variant consistently predicted to be tolerated by multiple in silico tools or not conserved in placental mammals with a minor amino acid change. (SB) 0604 - Variant is not located in an established domain, motif, hotspot or informative constraint region. (I) 0705 - No comparable missense variants have previous evidence for pathogenicity. (I) 0807 - This variant has no previous evidence of pathogenicity. (I) 0905 - No published segregation evidence has been identified for this variant. (I) 1007 - No published functional evidence has been identified for this variant. (I) 1208 - Inheritance information for this variant is not currently available in this individual. (I) Legend: (SP) - Supporting pathogenic, (I) - Information, (SB) - Supporting benign

PreventionGenetics, part of Exact Sciences
Classification: Uncertain significance for ERCC5-related condition. Last evaluated: 2024-05-10. Review status: no assertion criteria provided. Collection method: clinical testing. Allele origin: germline. Not counted in ClinVar's aggregate classification.
Comment: The ERCC5 c.1669G>A variant is predicted to result in the amino acid substitution p.Asp557Asn. To our knowledge, this variant has not been reported in the literature. This variant is reported in 0.033% of alleles in individuals of East Asian descent in gnomAD. At this time, the clinical significance of this variant is uncertain due to the absence of conclusive functional and genetic evidence.